The following is an entry in ClinVar:

ClinVar aggregate classification (germline): Likely benign (1 of 4 stars; one submission).

Conditions:
USP53-related disorder. Also called: USP53-related condition.

gnomAD v4.1: 2 of 1,614,044 alleles (0.00012%); highest among the groups gnomAD compares: Non-Finnish European, 0.00017%; no homozygotes.

Submission:

PreventionGenetics, part of Exact Sciences
Classification: Likely benign for USP53-related condition. Last evaluated: 2026-05-27. Review status: criteria provided, single submitter. Criteria: ACMG Guidelines, 2015. Collection method: clinical testing. Allele origin: germline.
Comment: This variant is classified as likely benign based on ACMG/AMP sequence variant interpretation guidelines (Richards et al. 2015 PMID: 25741868, with internal and published modifications).

NM_001371395.1(USP53):c.1227A>G (p.Pro409=)

Gene: USP53 (ubiquitin specific peptidase 53; plus strand). Cytogenetic location: 4q26.
Variant type: single nucleotide variant.
Coding change: c.1227A>G on transcript NM_001371395.1 (MANE Select); coding-DNA position 1227, A replaced by G.
Protein change: p.Pro409=; no amino-acid change (proline 409 retained).
Molecular consequence: synonymous variant. On other transcripts: intron variant (4).
Genome position (GRCh38, 1-based): chr4:119,268,359, A>G. VCF-style: chr4-119268359-A-G. GRCh37 (hg19) VCF-style: chr4-120189514-A-G.
Other names: c.1227A>G, p.Pro409= (NM_001371397.1, NM_001371398.1, NM_001371399.1 and 3 more transcripts); c.1077A>G, p.Pro359= (NM_001389660.1); c.879A>G, p.Pro293= (NM_001389662.1, NM_001389663.1, NM_001389664.1 and 1 more transcripts); c.1135+877A>G (NM_001389661.1, NM_001371396.1); c.787+877A>G (NM_001389667.1, NM_001389665.1).
Identifiers: ClinVar variation 4994131 (VCV004994131.1).
Genomic context (GRCh38, chr4:119,268,359, plus strand): 5'-TAATTTAAAAGAAAATGGATTTGGTGATCAGGCAAAGCAGAGAGAAAATCAGAAATTTCC[A>G]ACTGATAATATTTCATCATCTAATCGGAGCCACAGTCACACAGGTGTAGGGAAAGGACCA-3'
Protein context (NP_001358324.1, residues 399-419): QAKQRENQKF[Pro409=]TDNISSSNRS